The following is an entry in ClinVar:

ClinVar aggregate classification (germline): Benign/Likely benign. Review status: criteria provided, multiple submitters, no conflicts (2 of 4 stars). 3 submissions from 3 submitters: Benign (2); Likely benign (1). Last evaluated 2026-01-26.

Conditions:
Developmental and epileptic encephalopathy, 34 (DEE34). Also called: Early infantile epileptic encephalopathy 34; SLC12A5-Related Epilepsy of Infancy with Migrating Focal Seizures. Identifiers: Orphanet 293181, MedGen C4225257, MONDO:0014718, OMIM 616645.

Allele frequency attached by ClinVar (database versions not stated): gnomAD exomes 0.00035 and 0.00100; ExAC 0.00121; 1000 Genomes Project 30x 0.00265; 1000 Genomes Project 0.00319; gnomAD 0.00414 and 0.00442; ESP Exome Variant Server 0.00415; TOPMed 0.00464.

Submissions (3):

Labcorp Genetics (formerly Invitae), Labcorp
Classification: Benign for Developmental and epileptic encephalopathy, 34. Last evaluated: 2026-01-26. Review status: criteria provided, single submitter. Criteria: Invitae Variant Classification Sherloc (09022015). Collection method: clinical testing. Allele origin: germline.

ARUP Laboratories, Molecular Genetics and Genomics, ARUP Laboratories
Classification: Benign. Last evaluated: 2025-03-13. Review status: criteria provided, single submitter. Criteria: ARUP Molecular Germline Variant Investigation Process 2024. Collection method: clinical testing. Allele origin: germline.

CeGaT Center for Human Genetics Tuebingen
Classification: Likely benign. Last evaluated: 2024-10-01. Review status: criteria provided, single submitter. Criteria: CeGaT Center For Human Genetics Tuebingen Variant Classification Criteria Version 2. Collection method: clinical testing. Allele origin: germline. Affected: yes. Observed: 1 variant allele.
Comment: SLC12A5: BP4, BP7, BS1

NM_020708.5(SLC12A5):c.2403C>T (p.Gly801=)

Gene: SLC12A5 (solute carrier family 12 member 5; plus strand). Cytogenetic location: 20q13.12.
Variant type: single nucleotide variant.
Coding change: c.2403C>T on transcript NM_020708.5 (MANE Select); coding-DNA position 2403, C replaced by T.
Protein change: p.Gly801=; no amino-acid change (glycine 801 retained).
Molecular consequence: synonymous variant.
Genome position (GRCh38, 1-based): chr20:46,052,982, C>T. VCF-style: chr20-46052982-C-T. GRCh37 (hg19) VCF-style: chr20-44681621-C-T.
Other names: c.2472C>T, p.Gly824= (NM_001134771.2).
Identifiers: ClinVar variation 475650 (VCV000475650.27), dbSNP rs35981087, ClinGen allele CA9887603.